The following is an entry in ClinVar:

ClinVar aggregate classification (germline): Uncertain significance (1 of 4 stars; one submission).

Allele frequency attached by ClinVar (database versions not stated): gnomAD exomes below 0.00001.

Submission:

GeneDx
Classification: Uncertain significance. Last evaluated: 2022-10-31. Review status: criteria provided, single submitter. Criteria: GeneDx Variant Classification Process June 2021. Collection method: clinical testing. Allele origin: germline. Affected: yes.
Comment: Not observed at significant frequency in large population cohorts (gnomAD); In silico analysis supports that this missense variant has a deleterious effect on protein structure/function; Has not been previously published as pathogenic or benign to our knowledge

NM_020937.4(FANCM):c.274C>T (p.Arg92Trp)

Gene: FANCM (FA complementation group M; plus strand). Cytogenetic location: 14q21.2.
Variant type: single nucleotide variant.
Coding change: c.274C>T on transcript NM_020937.4 (MANE Select); coding-DNA position 274, C replaced by T.
Protein change: p.Arg92Trp; replaces arginine 92 with tryptophan.
Molecular consequence: missense variant.
Genome position (GRCh38, 1-based): chr14:45,136,305, C>T. VCF-style: chr14-45136305-C-T. GRCh37 (hg19) VCF-style: chr14-45605508-C-T.
Other names: c.274C>T, p.Arg92Trp (NM_001308133.2, NM_001308134.2); short protein forms R92W.
Identifiers: ClinVar variation 2500586 (VCV002500586.1), dbSNP rs2139102053, ClinGen allele CA389587683.